The following is an entry in ClinVar:

NM_007186.6(CEP250):c.3655+4A>T

Gene: CEP250 (centrosomal protein 250; plus strand). Cytogenetic location: 20q11.22.
Variant type: single nucleotide variant.
Coding change: c.3655+4A>T on transcript NM_007186.6 (MANE Select); 4 bases into the intron after coding-DNA position 3655, A replaced by T.
Molecular consequence: intron variant.
Genome position (GRCh38, 1-based): chr20:35,498,071, A>T. VCF-style: chr20-35498071-A-T. GRCh37 (hg19) VCF-style: chr20-34085900-A-T.
Other names: c.1759+4A>T (NM_001318219.1).
Identifiers: ClinVar variation 933315 (VCV000933315.5), dbSNP rs1446112141, ClinGen allele CA635354407.
Genomic context (GRCh38, chr20:35,498,071, plus strand): 5'-GGCCTGAGCTGAGTGGTGGGGGAGACTCTGCTCCTTCCGTCTGGGGCCTTGAGCCAGGTG[A>T]GACAGCCTCCCCAGAACTAGGTCCTTTGGGCCAAAGCCAGGCCTGGCTCCCAGGGGAAAG-3'

ClinVar aggregate classification (germline): Uncertain significance (1 of 4 stars; one submission).

Allele frequency attached by ClinVar (database versions not stated): gnomAD exomes below 0.00001 and 0.00001.
gnomAD v4.1: 3 of 1,553,140 alleles (0.00019%); highest among the groups gnomAD compares: Middle Eastern, 0.017%; no homozygotes.

Submission:

Labcorp Genetics (formerly Invitae), Labcorp
Classification: Uncertain significance. Last evaluated: 2022-08-23. Review status: criteria provided, single submitter. Criteria: Invitae Variant Classification Sherloc (09022015). Collection method: clinical testing. Allele origin: germline.
Comment: This sequence change falls in intron 26 of the CEP250 gene. It does not directly change the encoded amino acid sequence of the CEP250 protein. It affects a nucleotide within the consensus splice site. The frequency data for this variant in the population databases is considered unreliable, as metrics indicate poor data quality at this position in the gnomAD database. This variant has not been reported in the literature in individuals affected with CEP250-related conditions. ClinVar contains an entry for this variant (Variation ID: 933315). Variants that disrupt the consensus splice site are a relatively common cause of aberrant splicing (PMID: 17576681, 9536098). Algorithms developed to predict the effect of sequence changes on RNA splicing suggest that this variant may disrupt the consensus splice site. In summary, the available evidence is currently insufficient to determine the role of this variant in disease. Therefore, it has been classified as a Variant of Uncertain Significance.

Literature cited by the submitters: PubMed 17576681; PubMed 9536098.